The following is an entry in ClinVar:

NM_133433.4(NIPBL):c.310C>G (p.Pro104Ala)

Gene: NIPBL (NIPBL cohesin loading factor; plus strand). Cytogenetic location: 5p13.2.
Variant type: single nucleotide variant.
Coding change: c.310C>G on transcript NM_133433.4 (MANE Select); coding-DNA position 310, C replaced by G.
Protein change: p.Pro104Ala; replaces proline 104 with alanine.
Molecular consequence: missense variant.
Genome position (GRCh38, 1-based): chr5:36,958,183, C>G. VCF-style: chr5-36958183-C-G. GRCh37 (hg19) VCF-style: chr5-36958285-C-G.
Other names: c.310C>G, p.Pro104Ala (NM_015384.5); short protein forms P104A.
Identifiers: ClinVar variation 589143 (VCV000589143.12), dbSNP rs772009624, ClinGen allele CA3235781.

ClinVar aggregate classification (germline): Uncertain significance. Review status: criteria provided, multiple submitters, no conflicts (2 of 4 stars). 3 submissions from 3 submitters: Uncertain significance (3). Last evaluated 2025-05-14.

Conditions:
Inborn genetic diseases. Identifiers: MedGen C0950123, MeSH D030342.
Cornelia de Lange syndrome 1 (CDLS1). Also called: TYPUS DEGENERATIVUS AMSTELODAMENSIS; NIPBL-Related Cornelia de Lange Syndrome; Brachmann de Lange syndrome. Identifiers: Orphanet 199, MedGen C4551851, MONDO:0007387, OMIM 122470.

Allele frequency attached by ClinVar (database versions not stated): TOPMed 0.00003; gnomAD exomes 0.00004; ExAC 0.00002.
gnomAD v4.1: 14 of 1,613,878 alleles (0.00087%); highest among the groups gnomAD compares: Admixed American, 0.023%; no homozygotes.

Submissions (3):

Labcorp Genetics (formerly Invitae), Labcorp
Classification: Uncertain significance for Cornelia de Lange syndrome 1. Last evaluated: 2025-05-14. Review status: criteria provided, single submitter. Criteria: Invitae Variant Classification Sherloc (09022015). Collection method: clinical testing. Allele origin: germline.
Comment: This sequence change replaces proline, which is neutral and non-polar, with alanine, which is neutral and non-polar, at codon 104 of the NIPBL protein (p.Pro104Ala). This variant is present in population databases (rs772009624, gnomAD 0.03%). This variant has not been reported in the literature in individuals affected with NIPBL-related conditions. ClinVar contains an entry for this variant (Variation ID: 589143). Invitae Evidence Modeling of protein sequence and biophysical properties (such as structural, functional, and spatial information, amino acid conservation, physicochemical variation, residue mobility, and thermodynamic stability) has been performed for this missense variant. However, the output from this modeling did not meet the statistical confidence thresholds required to predict the impact of this variant on NIPBL protein function. In summary, the available evidence is currently insufficient to determine the role of this variant in disease. Therefore, it has been classified as a Variant of Uncertain Significance.

Fulgent Genetics
Classification: Uncertain significance for Cornelia de Lange syndrome 1. Last evaluated: 2024-05-31. Review status: criteria provided, single submitter. Criteria: ACMG Guidelines, 2015. Collection method: clinical testing. Allele origin: germline.

Ambry Genetics
Classification: Uncertain significance for Inborn genetic diseases. Last evaluated: 2017-05-26. Review status: criteria provided, single submitter. Criteria: Ambry Variant Classification Scheme 2023. Collection method: clinical testing. Allele origin: germline.
Comment: The p.P104A variant (also known as c.310C>G), located in coding exon 3 of the NIPBL gene, results from a C to G substitution at nucleotide position 310. The proline at codon 104 is replaced by alanine, an amino acid with highly similar properties. This amino acid position is highly conserved in available vertebrate species. In addition, this alteration is predicted to be deleterious by in silico analysis. Since supporting evidence is limited at this time, the clinical significance of this alteration remains unclear.